The following is an entry in ClinVar:

NM_005751.5(AKAP9):c.343A>G (p.Ser115Gly)

Gene: AKAP9 (A-kinase anchoring protein 9; plus strand). Cytogenetic location: 7q21.2.
Variant type: single nucleotide variant.
Coding change: c.343A>G on transcript NM_005751.5 (MANE Select); coding-DNA position 343, A replaced by G.
Protein change: p.Ser115Gly; replaces serine 115 with glycine.
Molecular consequence: missense variant.
Genome position (GRCh38, 1-based): chr7:91,980,325, A>G. VCF-style: chr7-91980325-A-G. GRCh37 (hg19) VCF-style: chr7-91609639-A-G.
Other names: c.343A>G, p.Ser115Gly (NM_147185.3); short protein forms S115G.
Identifiers: ClinVar variation 2564480 (VCV002564480.2), dbSNP rs1191923442, ClinGen allele CA368119014.

ClinVar aggregate classification (germline): Uncertain significance (1 of 4 stars; one submission).

Conditions:
Cardiovascular phenotype. Identifiers: MedGen CN230736.

Allele frequency attached by ClinVar (database versions not stated): gnomAD 0.00001.
gnomAD v4.1: 2 of 1,566,118 alleles (0.00013%); highest among the groups gnomAD compares: African/African-American, 0.0014%; no homozygotes.

Submission:

Ambry Genetics
Classification: Uncertain significance for Cardiovascular phenotype. Last evaluated: 2023-05-06. Review status: criteria provided, single submitter. Criteria: Ambry Variant Classification Scheme 2023. Collection method: clinical testing. Allele origin: germline.
Comment: The p.S115G variant (also known as c.343A>G), located in coding exon 3 of the AKAP9 gene, results from an A to G substitution at nucleotide position 343. The serine at codon 115 is replaced by glycine, an amino acid with similar properties. This amino acid position is conserved. In addition, this alteration is predicted to be tolerated by in silico analysis. Since supporting evidence is limited at this time, the clinical significance of this alteration remains unclear.